The following is an entry in ClinVar:

NM_000057.4(BLM):c.3869C>T (p.Ser1290Leu)

Gene: BLM (BLM RecQ like helicase; plus strand). Cytogenetic location: 15q26.1.
Variant type: single nucleotide variant.
Coding change: c.3869C>T on transcript NM_000057.4 (MANE Select); coding-DNA position 3869, C replaced by T.
Protein change: p.Ser1290Leu; replaces serine 1290 with leucine.
Molecular consequence: missense variant.
Genome position (GRCh38, 1-based): chr15:90,809,254, C>T. VCF-style: chr15-90809254-C-T. GRCh37 (hg19) VCF-style: chr15-91352484-C-T.
Other names: c.3869C>T, p.Ser1290Leu (NM_001287246.2); c.3476C>T, p.Ser1159Leu (NM_001287247.2); c.2744C>T, p.Ser915Leu (NM_001287248.2); short protein forms S1290L, S915L, S1159L.
Identifiers: ClinVar variation 454144 (VCV000454144.23), dbSNP rs1031421025, ClinGen allele CA274727854.

ClinVar aggregate classification (germline): Conflicting classifications of pathogenicity. Review status: criteria provided, conflicting classifications (1 of 4 stars). 5 submissions from 5 submitters: Uncertain significance (4); Likely benign (1). Last evaluated 2026-01-27.

Conditions:
Hereditary cancer-predisposing syndrome. Also called: Hereditary Cancer Syndrome; Hereditary neoplastic syndrome; Neoplastic Syndromes, Hereditary; Tumor predisposition. Identifiers: Orphanet 140162, MedGen C0027672, MeSH D009386, MONDO:0015356.
Bloom syndrome (BLM). Also called: Bloom-Torre-Machacek syndrome. Identifiers: Orphanet 125, MedGen C0005859, MONDO:0008876, OMIM 210900.

Allele frequency attached by ClinVar (database versions not stated): gnomAD 0.00001; gnomAD exomes 0.00002; TOPMed 0.00003.

Submissions (5):

Labcorp Genetics (formerly Invitae), Labcorp
Classification: Uncertain significance for Bloom syndrome. Last evaluated: 2026-01-27. Review status: criteria provided, single submitter. Criteria: Invitae Variant Classification Sherloc (09022015). Collection method: clinical testing. Allele origin: germline.
Comment: This sequence change replaces serine, which is neutral and polar, with leucine, which is neutral and non-polar, at codon 1290 of the BLM protein (p.Ser1290Leu). This variant is present in population databases (no rsID available, gnomAD 0.003%). This variant has not been reported in the literature in individuals affected with BLM-related conditions. ClinVar contains an entry for this variant (Variation ID: 454144). Invitae Evidence Modeling of protein sequence and biophysical properties (such as structural, functional, and spatial information, amino acid conservation, physicochemical variation, residue mobility, and thermodynamic stability) indicates that this missense variant is not expected to disrupt BLM protein function with a negative predictive value of 80%. In summary, the available evidence is currently insufficient to determine the role of this variant in disease. Therefore, it has been classified as a Variant of Uncertain Significance.

Quest Diagnostics Nichols Institute San Juan Capistrano
Classification: Uncertain significance. Last evaluated: 2025-03-27. Review status: criteria provided, single submitter. Criteria: Quest Diagnostics criteria. Collection method: clinical testing. Allele origin: unknown.
Comment: The BLM c.3869C>T (p.Ser1290Leu) variant has not been reported in individuals with BLM-related conditions in the published literature. The frequency of this variant in the general population (Genome Aggregation Database) is uninformative in the assessment of its pathogenicity. Analysis of this variant using bioinformatics tools for the prediction of the effect of amino acid changes on protein structure and function yielded predictions that this variant is benign. Based on the available information, we are unable to determine the clinical significance of this variant.

Ambry Genetics
Classification: Likely benign for Hereditary cancer-predisposing syndrome. Last evaluated: 2024-08-05. Review status: criteria provided, single submitter. Criteria: Ambry Variant Classification Scheme 2023. Collection method: clinical testing. Allele origin: germline.

GeneDx
Classification: Uncertain significance. Last evaluated: 2022-02-23. Review status: criteria provided, single submitter. Criteria: GeneDx Variant Classification Process June 2021. Collection method: clinical testing. Allele origin: germline. Affected: yes.
Comment: Not observed at significant frequency in large population cohorts (gnomAD); In silico analysis supports that this missense variant does not alter protein structure/function; Has not been previously published as pathogenic or benign to our knowledge

Genetic Services Laboratory, University of Chicago
Classification: Uncertain significance. Last evaluated: 2020-08-19. Review status: criteria provided, single submitter. Criteria: ACMG Guidelines, 2015. Collection method: clinical testing. Allele origin: germline. Affected: no.
Comment: DNA sequence analysis of the BLM gene demonstrated a sequence change, c.3869C>T, in exon 20 that results in an amino acid change, p.Ser1290Leu. This sequence change does not appear to have been previously described in patients with BLM-related disorders. This sequence change has been described in the gnomAD database with a low population frequency of 0.0016% (dbSNP rs1031421025). The p.Ser1290Leu change affects a poorly conserved amino acid residue located in the helicase and RNaseD C-terminal domain of the BLM protein. The p.Ser1290Leu substitution appears to be benign using several in-silico pathogenicity prediction tools (SIFT, PolyPhen2, Align GVGD, REVEL). Due to these contrasting evidences and the lack of functional studies, the clinical significance of the p.Ser1290Leu change remains unknown at this time.